The following is an entry in ClinVar:

NM_001035.3(RYR2):c.6419A>C (p.Lys2140Thr)

Gene: RYR2 (ryanodine receptor 2; plus strand). Cytogenetic location: 1q43.
Variant type: single nucleotide variant.
Coding change: c.6419A>C on transcript NM_001035.3 (MANE Select); coding-DNA position 6419, A replaced by C.
Protein change: p.Lys2140Thr; replaces lysine 2140 with threonine.
Molecular consequence: missense variant.
Genome position (GRCh38, 1-based): chr1:237,628,059, A>C. VCF-style: chr1-237628059-A-C. GRCh37 (hg19) VCF-style: chr1-237791359-A-C.
Other names: short protein forms K2140T.
Identifiers: ClinVar variation 965242 (VCV000965242.11), dbSNP rs1443634453, ClinGen allele CA345411509.
Genomic context (GRCh38, chr1:237,628,059, plus strand): 5'-TGGCATCCCTTGGTCAGATTCGGTCCCTGCTGAGTGTGAGAATGGGCAAAGAAGAAGAGA[A>C]GCTCATGATTCGTGGATTAGGGTAAATTATTTAACTACTACAACCCTTTGTCTCGTAAAT-3'
Protein context (NP_001026.2, residues 2130-2150): LSVRMGKEEE[Lys2140Thr]LMIRGLGDIM

ClinVar aggregate classification (germline): Uncertain significance (1 of 4 stars; one submission).

Conditions:
Catecholaminergic polymorphic ventricular tachycardia 1. Also called: VENTRICULAR TACHYCARDIA, CATECHOLAMINERGIC POLYMORPHIC, 1, WITH OR WITHOUT ATRIAL DYSFUNCTION AND/OR DILATED CARDIOMYOPATHY; RYR2-Related Catecholaminergic Polymorphic Ventricular Tachycardia; VENTRICULAR TACHYCARDIA, STRESS-INDUCED POLYMORPHIC 1. Identifiers: Orphanet 3286, MedGen C1631597, MONDO:0011484, OMIM 604772.

Submission:

Labcorp Genetics (formerly Invitae), Labcorp
Classification: Uncertain significance for Catecholaminergic polymorphic ventricular tachycardia 1. Last evaluated: 2019-10-25. Review status: criteria provided, single submitter. Criteria: Invitae Variant Classification Sherloc (09022015). Collection method: clinical testing. Allele origin: germline.
Comment: This sequence change replaces lysine with threonine at codon 2140 of the RYR2 protein (p.Lys2140Thr). The lysine residue is highly conserved and there is a moderate physicochemical difference between lysine and threonine. This variant is not present in population databases (ExAC no frequency). This variant has not been reported in the literature in individuals with RYR2-related conditions. Algorithms developed to predict the effect of missense changes on protein structure and function (SIFT, PolyPhen-2, Align-GVGD) all suggest that this variant is likely to be disruptive, but these predictions have not been confirmed by published functional studies and their clinical significance is uncertain. In summary, the available evidence is currently insufficient to determine the role of this variant in disease. Therefore, it has been classified as a Variant of Uncertain Significance.